The following is an entry in ClinVar:

NM_001289808.2(CRYAB):c.382G>A (p.Val128Ile)

Gene: CRYAB (crystallin alpha B; minus strand). Cytogenetic location: 11q23.1.
Variant type: single nucleotide variant.
Coding change: c.382G>A on transcript NM_001289808.2 (MANE Select); coding-DNA position 382, G replaced by A.
Protein change: p.Val128Ile; replaces valine 128 with isoleucine.
Molecular consequence: missense variant.
Genome position (GRCh38, 1-based): chr11:111,908,910, C>T on the plus strand (G>A on the coding strand, the complement: CRYAB is on the minus strand). VCF-style: chr11-111908910-C-T. GRCh37 (hg19) VCF-style: chr11-111779634-C-T.
Other names: c.382G>A, p.Val128Ile (NM_001289807.1, NM_001368245.1, NM_001885.3); c.181G>A, p.Val61Ile (NM_001330379.1, NM_001368246.1); short protein forms V128I, V61I.
Identifiers: ClinVar variation 2582003 (VCV002582003.1), dbSNP rs2497875384, ClinGen allele CA382596410.

ClinVar aggregate classification (germline): Uncertain significance (1 of 4 stars; one submission).

Submission:

GeneDx
Classification: Uncertain significance. Last evaluated: 2023-03-28. Review status: criteria provided, single submitter. Criteria: GeneDx Variant Classification Process June 2021. Collection method: clinical testing. Allele origin: germline. Affected: yes.
Comment: Not observed at significant frequency in large population cohorts (gnomAD); In silico analysis supports that this missense variant does not alter protein structure/function; Has not been previously published as pathogenic or benign to our knowledge; This variant is associated with the following publications: (PMID: 24576798)